The following is an entry in ClinVar:

NM_013275.6(ANKRD11):c.6388G>A (p.Asp2130Asn)

Gene: ANKRD11 (ankyrin repeat domain 11; minus strand). Cytogenetic location: 16q24.3.
Variant type: single nucleotide variant.
Coding change: c.6388G>A on transcript NM_013275.6 (MANE Select); coding-DNA position 6388, G replaced by A.
Protein change: p.Asp2130Asn; replaces aspartic acid 2130 with asparagine.
Molecular consequence: missense variant.
Genome position (GRCh38, 1-based): chr16:89,280,154, C>T on the plus strand (G>A on the coding strand, the complement: ANKRD11 is on the minus strand). VCF-style: chr16-89280154-C-T. GRCh37 (hg19) VCF-style: chr16-89346562-C-T.
Other names: c.6388G>A, p.Asp2130Asn (NM_001256182.2, NM_001256183.2); short protein forms D2130N.
Identifiers: ClinVar variation 4707844 (VCV004707844.1).
Genomic context (GRCh38, chr16:89,280,154, plus strand): 5'-CTGCGGCATCTTTAGTCTGCAGGGGAAGCTCCGGCAGGGAGAAGGGCCCCAGGTCCAGGT[C>T]GTCCTCGGGGCCGGCGAAGGCGTCCGCCCAGGGCACCGGCTCCACCTGGCCGAGGTGAGA-3'
Protein context (NP_037407.4, residues 2120-2140): WADAFAGPED[Asp2130Asn]LDLGPFSLPE

ClinVar aggregate classification (germline): Uncertain significance (1 of 4 stars; one submission).

Conditions:
KBG syndrome (KBGS). Also called: ANKRD11-Related KBG Syndrome. Identifiers: Orphanet 2332, MedGen C0220687, MONDO:0007846, OMIM 148050.

gnomAD v4.1: 23 of 1,610,812 alleles (0.0014%); highest among the groups gnomAD compares: Non-Finnish European, 0.002%; no homozygotes.

Submission:

Labcorp Genetics (formerly Invitae), Labcorp
Classification: Uncertain significance for KBG syndrome. Last evaluated: 2025-07-30. Review status: criteria provided, single submitter. Criteria: Invitae Variant Classification Sherloc (09022015). Collection method: clinical testing. Allele origin: germline.
Comment: This sequence change replaces aspartic acid, which is acidic and polar, with asparagine, which is neutral and polar, at codon 2130 of the ANKRD11 protein (p.Asp2130Asn). This variant is present in population databases (rs377155439, gnomAD 0.004%). This variant has not been reported in the literature in individuals affected with ANKRD11-related conditions. Invitae Evidence Modeling of protein sequence and biophysical properties (such as structural, functional, and spatial information, amino acid conservation, physicochemical variation, residue mobility, and thermodynamic stability) indicates that this missense variant is not expected to disrupt ANKRD11 protein function with a negative predictive value of 95%. In summary, the available evidence is currently insufficient to determine the role of this variant in disease. Therefore, it has been classified as a Variant of Uncertain Significance.